The following is an entry in ClinVar:

NM_015512.5(DNAH1):c.1274G>T (p.Arg425Leu)

Gene: DNAH1 (dynein axonemal heavy chain 1; plus strand). Cytogenetic location: 3p21.1.
Variant type: single nucleotide variant.
Coding change: c.1274G>T on transcript NM_015512.5 (MANE Select); coding-DNA position 1274, G replaced by T.
Protein change: p.Arg425Leu; replaces arginine 425 with leucine.
Molecular consequence: missense variant.
Genome position (GRCh38, 1-based): chr3:52,332,382, G>T. VCF-style: chr3-52332382-G-T. GRCh37 (hg19) VCF-style: chr3-52366398-G-T.
Other names: c.1274G>T (NM_015512.4); short protein forms R425L.
Identifiers: ClinVar variation 1486238 (VCV001486238.6), dbSNP rs200951874, ClinGen allele CA2432915.

ClinVar aggregate classification (germline): Uncertain significance. Review status: criteria provided, multiple submitters, no conflicts (2 of 4 stars). 2 submissions from 2 submitters: Uncertain significance (2). Last evaluated 2024-01-16.

Conditions:
Spermatogenic failure 18. Identifiers: MedGen C4539783, MONDO:0054615, OMIM 617576.
Ciliary dyskinesia, primary, 37 (CILD37). Also called: CILIARY DYSKINESIA, PRIMARY, 37, WITH OR WITHOUT SITUS INVERSUS. Identifiers: MedGen C4539798, MONDO:0033204, OMIM 617577.

gnomAD v4.1: 277 of 1,612,920 alleles (0.017%); highest among the groups gnomAD compares: Non-Finnish European, 0.022%; no homozygotes.

Submissions (2):

Ambry Genetics
Classification: Uncertain significance. Last evaluated: 2024-01-16. Review status: criteria provided, single submitter. Criteria: Ambry Variant Classification Scheme 2023. Collection method: clinical testing. Allele origin: germline.

Labcorp Genetics (formerly Invitae), Labcorp
Classification: Uncertain significance for Ciliary dyskinesia, primary, 37; Spermatogenic failure 18. Last evaluated: 2022-07-08. Review status: criteria provided, single submitter. Criteria: Invitae Variant Classification Sherloc (09022015). Collection method: clinical testing. Allele origin: germline.
Comment: This sequence change replaces arginine, which is basic and polar, with leucine, which is neutral and non-polar, at codon 425 of the DNAH1 protein (p.Arg425Leu). This variant is present in population databases (rs200951874, gnomAD 0.02%). This variant has not been reported in the literature in individuals affected with DNAH1-related conditions. ClinVar contains an entry for this variant (Variation ID: 1486238). Algorithms developed to predict the effect of missense changes on protein structure and function are either unavailable or do not agree on the potential impact of this missense change (SIFT: "Deleterious"; PolyPhen-2: "Benign"; Align-GVGD: "Class C0"). In summary, the available evidence is currently insufficient to determine the role of this variant in disease. Therefore, it has been classified as a Variant of Uncertain Significance.